The following is an entry in ClinVar:

ClinVar aggregate classification (germline): Uncertain significance (1 of 4 stars; one submission).

Submission:

GeneDx
Classification: Uncertain significance. Last evaluated: 2024-08-05. Review status: criteria provided, single submitter. Criteria: GeneDx Variant Classification Process June 2021. Collection method: clinical testing. Allele origin: germline. Affected: yes.
Comment: Not observed at significant frequency in large population cohorts (gnomAD); In silico analysis supports that this missense variant has a deleterious effect on protein structure/function; Has not been previously published as pathogenic or benign to our knowledge

NM_014008.5(CCDC22):c.1306C>G (p.Arg436Gly)

Gene: CCDC22 (CCC complex scaffolding subunit CCDC22; plus strand). Cytogenetic location: Xp11.23.
Variant type: single nucleotide variant.
Coding change: c.1306C>G on transcript NM_014008.5 (MANE Select); coding-DNA position 1306, C replaced by G.
Protein change: p.Arg436Gly; replaces arginine 436 with glycine.
Molecular consequence: missense variant.
Genome position (GRCh38, 1-based): chrX:49,248,500, C>G. VCF-style: chrX-49248500-C-G. GRCh37 (hg19) VCF-style: chrX-49104961-C-G.
Other names: short protein forms R436G.
Identifiers: ClinVar variation 3602948 (VCV003602948.1).
Genomic context (GRCh38, chrX:49,248,500, plus strand): 5'-CACTTGGCGGGTCAGTGGGAGAAGCACCGGGTCCCACTCCTCGCTGAGTACCGCCACCTC[C>G]GAAAGCTGCAGGATTGCAGAGAGGTAAGCAGTGGGGCCCTGGGCTGTGGGCGGGCCAGGG-3'
Protein context (NP_054727.1, residues 426-446): VPLLAEYRHL[Arg436Gly]KLQDCRELES